The following is an entry in ClinVar:

ClinVar aggregate classification (germline): Uncertain significance (1 of 4 stars; one submission).

Conditions:
Vascular malformation. Also called: Vascular malformations. Identifiers: MedGen C0158570, MONDO:0024291.

Submission:

Clinical Genomics Laboratory, Washington University in St. Louis
Classification: Uncertain significance for Vascular malformation. Last evaluated: 2024-12-21. Review status: criteria provided, single submitter. Criteria: Leon-Quintero et al. (Clin Genet. 2025). Collection method: clinical testing. Allele origin: somatic.
Comment: A PIK3R1 c.1895A>G (p.Asn632Ser) variant was identified at an allelic fraction consistent with somatic origin. This variant, to our knowledge, has not been reported in the medical literature. It is absent from the general population (gnomAD v.4.1.0), indicating it is not a common variant. Computational predictors suggest that the variant does not impact PIK3R1 function. Due to limited information, and based on internally developed protocol informed by the ACMG/AMP guidelines for variant interpretation and gene-specific practices from the ClinGen Criteria Specification Registry (Leon-Quintero FZ et al., PMID: 39434542), the clinical significance of this variant is uncertain at this time.

NM_181523.3(PIK3R1):c.1895A>G (p.Asn632Ser)

Gene: PIK3R1 (phosphoinositide-3-kinase regulatory subunit 1; plus strand). Cytogenetic location: 5q13.1.
Variant type: single nucleotide variant.
Coding change: c.1895A>G on transcript NM_181523.3 (MANE Select); coding-DNA position 1895, A replaced by G.
Protein change: p.Asn632Ser; replaces asparagine 632 with serine.
Molecular consequence: missense variant.
Genome position (GRCh38, 1-based): chr5:68,296,251, A>G. VCF-style: chr5-68296251-A-G. GRCh37 (hg19) VCF-style: chr5-67592079-A-G.
Other names: c.806A>G, p.Asn269Ser (NM_001242466.2); c.1085A>G, p.Asn362Ser (NM_181504.4); c.995A>G, p.Asn332Ser (NM_181524.2); short protein forms N269S, N332S, N362S, N632S.
Identifiers: ClinVar variation 3774526 (VCV003774526.1).
Genomic context (GRCh38, chr5:68,296,251, plus strand): 5'-ATGATGAAGATTTGCCCCATCATGATGAGAAGACATGGAATGTTGGAAGCAGCAACCGAA[A>G]CAAAGCTGAAAACCTGTTGCGAGGGAAGCGAGATGGCACTTTTCTTGTCCGGGAGAGCAG-3'
Protein context (NP_852664.1, residues 622-642): KTWNVGSSNR[Asn632Ser]KAENLLRGKR